The following is an entry in ClinVar:

NM_170707.4(LMNA):c.257G>A (p.Gly86Glu)

Gene: LMNA (lamin A/C; plus strand). Cytogenetic location: 1q22.
Variant type: single nucleotide variant.
Coding change: c.257G>A on transcript NM_170707.4 (MANE Select); coding-DNA position 257, G replaced by A.
Protein change: p.Gly86Glu; replaces glycine 86 with glutamic acid.
Molecular consequence: missense variant.
Genome position (GRCh38, 1-based): chr1:156,115,175, G>A. VCF-style: chr1-156115175-G-A. GRCh37 (hg19) VCF-style: chr1-156084966-G-A.
Other names: c.257G>A, p.Gly86Glu (NM_001282625.2, NM_001282626.2, NM_001406983.1 and 6 more transcripts); c.-167G>A (NM_001406986.1); c.-145G>A (NM_001406990.1, NM_001406995.1, NM_001407002.1); c.-408G>A (NM_001406994.1, NM_001407000.1); c.-588G>A (NM_001406999.1); c.-251G>A (NM_001407001.1); short protein forms G86E.
Identifiers: ClinVar variation 1793357 (VCV001793357.2), dbSNP rs768678385, ClinGen allele CA052136.

ClinVar aggregate classification (germline): Uncertain significance (1 of 4 stars; one submission).

Conditions:
Cardiovascular phenotype. Identifiers: MedGen CN230736.

Allele frequency attached by ClinVar (database versions not stated): gnomAD exomes below 0.00001; ExAC 0.00001; gnomAD 0.00001.
gnomAD v4.1: 2 of 1,612,678 alleles (0.00012%); highest among the groups gnomAD compares: Non-Finnish European, 0.00017%; no homozygotes.

Submission:

Ambry Genetics
Classification: Uncertain significance for Cardiovascular phenotype. Last evaluated: 2020-12-16. Review status: criteria provided, single submitter. Criteria: Ambry Variant Classification Scheme 2023. Collection method: clinical testing. Allele origin: germline.
Comment: The p.G86E variant (also known as c.257G>A), located in coding exon 1 of the LMNA gene, results from a G to A substitution at nucleotide position 257. The glycine at codon 86 is replaced by glutamic acid, an amino acid with similar properties. This amino acid position is not well conserved in available vertebrate species. In addition, the in silico prediction for this alteration is inconclusive. Since supporting evidence is limited at this time, the clinical significance of this alteration remains unclear.